The following is an entry in ClinVar:

ClinVar aggregate classification (germline): Likely benign. Review status: criteria provided, multiple submitters, no conflicts (2 of 4 stars). 4 submissions from 4 submitters: Likely benign (4). Last evaluated 2026-01-18.

Conditions:
Atypical hemolytic-uremic syndrome with C3 anomaly. Also called: AHUS, SUSCEPTIBILITY TO, 5. Identifiers: Orphanet 2134, MedGen C2752037, MONDO:0013043, OMIM 612925.
Complement component 3 deficiency. Identifiers: Orphanet 280133, MedGen C3151071, MONDO:0013417, OMIM 613779.
Age related macular degeneration 9. Identifiers: MedGen C1969651, MONDO:0012659, OMIM 611378.

Allele frequency attached by ClinVar (database versions not stated): 1000 Genomes Project 30x 0.00031; 1000 Genomes Project 0.00040; ExAC 0.00044; gnomAD exomes 0.00057 and 0.00115; TOPMed 0.00068; gnomAD 0.00084 and 0.00086; ESP Exome Variant Server 0.00108.
gnomAD v4.1: 1,780 of 1,608,424 alleles (0.11%); highest among the groups gnomAD compares: Non-Finnish European, 0.15%; 2 homozygotes.

Submissions (4):

Labcorp Genetics (formerly Invitae), Labcorp
Classification: Likely benign. Last evaluated: 2026-01-18. Review status: criteria provided, single submitter. Criteria: Invitae Variant Classification Sherloc (09022015). Collection method: clinical testing. Allele origin: germline.

Blueprint Genetics
Classification: Likely benign. Last evaluated: 2024-10-28. Review status: criteria provided, single submitter. Criteria: ACMG Guidelines, 2015. Collection method: clinical testing. Allele origin: germline.

Women's Health and Genetics/Laboratory Corporation of America, LabCorp
Classification: Likely benign. Last evaluated: 2023-11-13. Review status: criteria provided, single submitter. Criteria: LabCorp Variant Classification Summary - May 2015. Collection method: clinical testing. Allele origin: germline.
Comment: Variant summary: C3 c.4172+19G>A alters a non-conserved nucleotide located at a position not widely known to affect splicing. Consensus agreement among computation tools predict no significant impact on normal splicing. However, these predictions have yet to be confirmed by functional studies. The variant allele was found at a frequency of 0.00057 in 251492 control chromosomes, predominantly at a frequency of 0.0012 within the Non-Finnish European subpopulation in the gnomAD database. To our knowledge, no occurrence of c.4172+19G>A in individuals affected with &phenotype& and no experimental evidence demonstrating its impact on protein function have been reported. Two submitters have cited clinical-significance assessments for this variant to ClinVar after 2014. Both submitters classified the variant as likely benign. Based on the evidence outlined above, the variant was classified as likely benign.

Fulgent Genetics
Classification: Likely benign for Age related macular degeneration 9; Atypical hemolytic-uremic syndrome with C3 anomaly; Complement component 3 deficiency. Last evaluated: 2022-01-14. Review status: criteria provided, single submitter. Criteria: ACMG Guidelines, 2015. Collection method: clinical testing. Allele origin: unknown.

NM_000064.4(C3):c.4172+19G>A

Gene: C3 (complement C3; minus strand). Cytogenetic location: 19p13.3.
Variant type: single nucleotide variant.
Coding change: c.4172+19G>A on transcript NM_000064.4 (MANE Select); 19 bases into the intron after coding-DNA position 4172, G replaced by A.
Molecular consequence: intron variant.
Genome position (GRCh38, 1-based): chr19:6,684,369, C>T on the plus strand (G>A on the coding strand, the complement: C3 is on the minus strand). VCF-style: chr19-6684369-C-T. GRCh37 (hg19) VCF-style: chr19-6684380-C-T.
Identifiers: ClinVar variation 1143910 (VCV001143910.12), dbSNP rs181489450, ClinGen allele CA9128496.